The following is an entry in ClinVar:

NM_001067.4(TOP2A):c.3589G>C (p.Gly1197Arg)

Gene: TOP2A (DNA topoisomerase II alpha; minus strand). Cytogenetic location: 17q21.2.
Variant type: single nucleotide variant.
Coding change: c.3589G>C on transcript NM_001067.4 (MANE Select); coding-DNA position 3589, G replaced by C.
Protein change: p.Gly1197Arg; replaces glycine 1197 with arginine.
Molecular consequence: missense variant.
Genome position (GRCh38, 1-based): chr17:40,396,414, C>G on the plus strand (G>C on the coding strand, the complement: TOP2A is on the minus strand). VCF-style: chr17-40396414-C-G. GRCh37 (hg19) VCF-style: chr17-38552666-C-G.
Other names: short protein forms G1197R.
Identifiers: ClinVar variation 2647738 (VCV002647738.24), dbSNP rs183766786, ClinGen allele CA8543133.

ClinVar aggregate classification (germline): Uncertain significance (1 of 4 stars; one submission).

Allele frequency attached by ClinVar (database versions not stated): ESP Exome Variant Server 0.00127; gnomAD 0.00140; TOPMed 0.00206; 1000 Genomes Project 30x 0.00219; 1000 Genomes Project 0.00220; ExAC 0.00070.
gnomAD v4.1: 1,367 of 1,613,940 alleles (0.085%); highest among the groups gnomAD compares: Middle Eastern, 0.36%; no homozygotes.

Submission:

CeGaT Center for Human Genetics Tuebingen
Classification: Uncertain significance. Last evaluated: 2022-11-01. Review status: criteria provided, single submitter. Criteria: CeGaT Center For Human Genetics Tuebingen Variant Classification Criteria Version 2. Collection method: clinical testing. Allele origin: germline. Affected: yes. Observed: 1 variant allele.
Comment: TOP2A: PP2, BP4